The following is an entry in ClinVar:

NC_012920.1(MT-CO2):m.8141G>A

Gene: MT-CO2 (mitochondrially encoded cytochrome c oxidase II; plus strand).
Variant type: single nucleotide variant.
Genome position: chrM-8141-G-A.
Identifiers: ClinVar variation 692823 (VCV000692823.1), dbSNP rs1603221309, ClinGen allele CA414795204.

ClinVar aggregate classification (germline): Uncertain significance (1 of 4 stars; one submission).

Conditions:
Leigh syndrome (NULS). Also called: Leigh's necrotizing encephalopathy; Leigh's disease; Leigh Syndrome (mtDNA deletion); Leigh Disease; Subacute necrotizing encephalopathy; Necrotizing encephalopathy infantile subacute of Leigh. Identifiers: Orphanet 506, MedGen C2931891, MONDO:0009723, OMIM 256000.

Submission:

Wong Mito Lab, Molecular and Human Genetics, Baylor College of Medicine
Classification: Uncertain significance for Leigh syndrome. Last evaluated: 2019-10-17. Review status: criteria provided, single submitter. Criteria: Modified ACMG Guidelines (Unpublished). Collection method: clinical testing. Allele origin: germline.
Comment: The NC_012920.1:m.8141G>A (YP_003024029.1:p.Ala186Thr) variant in MTCO2 gene is interpretated to be a Uncertain Significance variant based on the modified ACMG guidelines (unpublished). This variant meets the following evidence codes: BP6

Literature cited by the submitters: PubMed 19398658.